The following is an entry in ClinVar:

ClinVar aggregate classification (germline): Uncertain significance. Review status: criteria provided, multiple submitters, no conflicts (2 of 4 stars). 2 submissions from 2 submitters: Uncertain significance (2). Last evaluated 2024-08-07.

Conditions:
Inborn genetic diseases. Identifiers: MedGen C0950123, MeSH D030342.

Allele frequency attached by ClinVar (database versions not stated): gnomAD exomes below 0.00001; gnomAD 0.00001; TOPMed 0.00001.
gnomAD v4.1: 3 of 1,614,064 alleles (0.00019%); highest among the groups gnomAD compares: African/African-American, 0.004%; no homozygotes.

Submissions (2):

Ambry Genetics
Classification: Uncertain significance for Inborn genetic diseases. Last evaluated: 2024-08-07. Review status: criteria provided, single submitter. Criteria: Ambry Variant Classification Scheme 2023. Collection method: clinical testing. Allele origin: germline.

Labcorp Genetics (formerly Invitae), Labcorp
Classification: Uncertain significance. Last evaluated: 2022-07-12. Review status: criteria provided, single submitter. Criteria: Invitae Variant Classification Sherloc (09022015). Collection method: clinical testing. Allele origin: germline.
Comment: In summary, the available evidence is currently insufficient to determine the role of this variant in disease. Therefore, it has been classified as a Variant of Uncertain Significance. Algorithms developed to predict the effect of missense changes on protein structure and function (SIFT, PolyPhen-2, Align-GVGD) all suggest that this variant is likely to be tolerated. ClinVar contains an entry for this variant (Variation ID: 1502706). This variant has not been reported in the literature in individuals affected with LAMC3-related conditions. This variant is present in population databases (no rsID available, gnomAD 0.02%). This sequence change replaces glutamine, which is neutral and polar, with proline, which is neutral and non-polar, at codon 496 of the LAMC3 protein (p.Gln496Pro).

NM_006059.4(LAMC3):c.1487A>C (p.Gln496Pro)

Gene: LAMC3 (laminin subunit gamma 3; plus strand). Cytogenetic location: 9q34.12.
Variant type: single nucleotide variant.
Coding change: c.1487A>C on transcript NM_006059.4 (MANE Select); coding-DNA position 1487, A replaced by C.
Protein change: p.Gln496Pro; replaces glutamine 496 with proline.
Molecular consequence: missense variant.
Genome position (GRCh38, 1-based): chr9:131,045,628, A>C. VCF-style: chr9-131045628-A-C. GRCh37 (hg19) VCF-style: chr9-133921015-A-C.
Other names: c.1487A>C (NM_006059.3); short protein forms Q496P.
Identifiers: ClinVar variation 1502706 (VCV001502706.7), dbSNP rs1243143011, ClinGen allele CA375261953.
Genomic context (GRCh38, chr9:131,045,628, plus strand): 5'-GCTGCAGCAGCTGTTTCTGCTATGGCCACTCCAAGGTGTGCGCGTCCACTGCCCAGTTCC[A>C]GGTGCATCACATCCTCAGCGATTTCCACCAGGGTAAGAGATGCTCCCTGCAAACGCCTCC-3'
Protein context (NP_006050.3, residues 486-506): SKVCASTAQF[Gln496Pro]VHHILSDFHQ